The following is an entry in ClinVar:

NM_000245.4(MET):c.1322C>T (p.Ser441Phe)

Gene: MET (MET proto-oncogene, receptor tyrosine kinase; plus strand). Cytogenetic location: 7q31.2.
Variant type: single nucleotide variant.
Coding change: c.1322C>T on transcript NM_000245.4 (MANE Select); coding-DNA position 1322, C replaced by T.
Protein change: p.Ser441Phe; replaces serine 441 with phenylalanine.
Molecular consequence: missense variant.
Genome position (GRCh38, 1-based): chr7:116,731,789, C>T. VCF-style: chr7-116731789-C-T. GRCh37 (hg19) VCF-style: chr7-116371843-C-T.
Other names: c.32C>T, p.Ser11Phe (NM_001324402.2); c.1322C>T, p.Ser441Phe (NM_001127500.3, NM_001324401.3); short protein forms S11F, S441F.
Identifiers: ClinVar variation 4825342 (VCV004825342.1).

ClinVar aggregate classification (germline): Uncertain significance (1 of 4 stars; one submission).

Conditions:
Hereditary cancer-predisposing syndrome. Also called: Neoplastic Syndromes, Hereditary; Tumor predisposition; Hereditary Cancer Syndrome; Hereditary neoplastic syndrome. Identifiers: Orphanet 140162, MedGen C0027672, MeSH D009386, MONDO:0015356.

gnomAD v4.1: 1 of 1,614,124 alleles (0.000062%); highest among the groups gnomAD compares: East Asian, 0.0022%; no homozygotes.

Submission:

Ambry Genetics
Classification: Uncertain significance for Hereditary cancer-predisposing syndrome. Last evaluated: 2026-01-22. Review status: criteria provided, single submitter. Criteria: Ambry Variant Classification Scheme 2023. Collection method: clinical testing. Allele origin: germline.
Comment: The p.S441F variant (also known as c.1322C>T), located in coding exon 2 of the MET gene, results from a C to T substitution at nucleotide position 1322. The serine at codon 441 is replaced by phenylalanine, an amino acid with highly dissimilar properties. This amino acid position is highly conserved in available vertebrate species. In addition, the in silico prediction for this alteration is inconclusive. Based on the available evidence, the clinical significance of this variant remains unclear.